The following is an entry in ClinVar:

NM_001035.3(RYR2):c.7187T>C (p.Ile2396Thr)

Gene: RYR2 (ryanodine receptor 2; plus strand). Cytogenetic location: 1q43.
Variant type: single nucleotide variant.
Coding change: c.7187T>C on transcript NM_001035.3 (MANE Select); coding-DNA position 7187, T replaced by C.
Protein change: p.Ile2396Thr; replaces isoleucine 2396 with threonine.
Molecular consequence: missense variant.
Genome position (GRCh38, 1-based): chr1:237,640,968, T>C. VCF-style: chr1-237640968-T-C. GRCh37 (hg19) VCF-style: chr1-237804268-T-C.
Other names: short protein forms I2396T.
Identifiers: ClinVar variation 4757208 (VCV004757208.1).

ClinVar aggregate classification (germline): Uncertain significance (1 of 4 stars; one submission).

Conditions:
Cardiomyopathy (CMYO). Also called: Cardiomyopathies. Identifiers: Orphanet 167848, MedGen C0878544, MONDO:0004994, HP:0001638. Inheritance: Various modes of inheritance.

gnomAD v4.1: 1 of 1,613,454 alleles (0.000062%); highest among the groups gnomAD compares: South Asian, 0.0011%; no homozygotes.

Submission:

Color Diagnostics, LLC DBA Color Health
Classification: Uncertain significance for Cardiomyopathy. Last evaluated: 2025-06-23. Review status: criteria provided, single submitter. Criteria: ACMG Guidelines, 2015. Collection method: clinical testing. Allele origin: germline.
Comment: This missense variant replaces isoleucine with threonine at codon 2396 of the RYR2 protein. Computational prediction suggests that this variant may have deleterious impact on protein structure and function. To our knowledge, functional studies have not been reported for this variant. This variant has not been reported in individuals affected with RYR2-related disorders in the literature. This variant has not been identified in the general population by the Genome Aggregation Database (gnomAD). The available evidence is insufficient to determine the role of this variant in disease conclusively. Therefore, this variant is classified as a Variant of Uncertain Significance.